The following is an entry in ClinVar:

ClinVar aggregate classification (germline): Uncertain significance (1 of 4 stars; one submission).

Conditions:
Hereditary cancer-predisposing syndrome. Also called: Neoplastic Syndromes, Hereditary; Tumor predisposition; Hereditary Cancer Syndrome; Hereditary neoplastic syndrome. Identifiers: Orphanet 140162, MedGen C0027672, MeSH D009386, MONDO:0015356.

Submission:

Ambry Genetics
Classification: Uncertain significance for Hereditary cancer-predisposing syndrome. Last evaluated: 2026-05-31. Review status: criteria provided, single submitter. Criteria: Ambry Variant Classification Scheme 2023. Collection method: clinical testing. Allele origin: germline.
Comment: The p.V305D variant (also known as c.914T>A), located in coding exon 7 of the POT1 gene, results from a T to A substitution at nucleotide position 914. The valine at codon 305 is replaced by aspartic acid, an amino acid with highly dissimilar properties. This amino acid position is conserved. In addition, this alteration is predicted to be tolerated by in silico analysis. Based on the available evidence, the clinical significance of this variant remains unclear.

NM_015450.3(POT1):c.914T>A (p.Val305Asp)

Gene: POT1 (protection of telomeres 1; minus strand). Cytogenetic location: 7q31.33.
Variant type: single nucleotide variant.
Coding change: c.914T>A on transcript NM_015450.3 (MANE Select); coding-DNA position 914, T replaced by A.
Protein change: p.Val305Asp; replaces valine 305 with aspartic acid.
Molecular consequence: missense variant. On other transcripts: non-coding transcript variant (3).
Genome position (GRCh38, 1-based): chr7:124,851,907, A>T on the plus strand (T>A on the coding strand, the complement: POT1 is on the minus strand). VCF-style: chr7-124851907-A-T. GRCh37 (hg19) VCF-style: chr7-124491961-A-T.
Other names: c.521T>A, p.Val174Asp (NM_001042594.2); short protein forms V174D, V305D.
Identifiers: ClinVar variation 4862409 (VCV004862409.1).
Genomic context (GRCh38, chr7:124,851,907, plus strand): 5'-TGTCAATGTTAAAGATTATCCTTACTTGGAAAGCTGTCGTCAGGTTCTGATTGACAGATA[A>T]CATCTGAATGCTGATTGGCTGTCAAATTTGCAGATTCTAAATCCCTATAATTGAAAGAAT-3'
Protein context (NP_056265.2, residues 295-315): ANLTANQHSD[Val305Asp]ICQSEPDDSF